The following is an entry in ClinVar:

NM_016648.4(LARP7):c.597A>G (p.Ile199Met)

Genes: LARP7 (La ribonucleoprotein 7, transcriptional regulator; plus strand), MIR302CHG (miR-302/367 cluster host gene; minus strand). Cytogenetic location: 4q25.
Variant type: single nucleotide variant.
Coding change: c.597A>G on transcript NM_016648.4 (MANE Select); coding-DNA position 597, A replaced by G.
Protein change: p.Ile199Met; replaces isoleucine 199 with methionine.
Molecular consequence: missense variant.
Genome position (GRCh38, 1-based): chr4:112,647,078, A>G. VCF-style: chr4-112647078-A-G. GRCh37 (hg19) VCF-style: chr4-113568234-A-G.
Other names: c.597A>G, p.Ile199Met (NM_001267039.4, NM_001370974.1, NM_001370975.1 and 6 more transcripts); c.360A>G, p.Ile120Met (NM_001370981.1, NM_001370982.1); c.597A>G (NM_016648.2); short protein forms I199M, I120M.
Identifiers: ClinVar variation 1973594 (VCV001973594.5), dbSNP rs767609358, ClinGen allele CA3049173.

ClinVar aggregate classification (germline): Uncertain significance. Review status: criteria provided, multiple submitters, no conflicts (2 of 4 stars). 2 submissions from 2 submitters: Uncertain significance (2). Last evaluated 2024-01-24.

Conditions:
Inborn genetic diseases. Identifiers: MedGen C0950123, MeSH D030342.

Allele frequency attached by ClinVar (database versions not stated): TOPMed below 0.00001; gnomAD 0.00001; gnomAD exomes 0.00001; ExAC 0.00002.

Submissions (2):

Labcorp Genetics (formerly Invitae), Labcorp
Classification: Uncertain significance. Last evaluated: 2024-01-24. Review status: criteria provided, single submitter. Criteria: Invitae Variant Classification Sherloc (09022015). Collection method: clinical testing. Allele origin: germline.
Comment: This sequence change replaces isoleucine, which is neutral and non-polar, with methionine, which is neutral and non-polar, at codon 199 of the LARP7 protein (p.Ile199Met). This variant is present in population databases (rs767609358, gnomAD 0.002%). This variant has not been reported in the literature in individuals affected with LARP7-related conditions. ClinVar contains an entry for this variant (Variation ID: 1973594). Advanced modeling of protein sequence and biophysical properties (such as structural, functional, and spatial information, amino acid conservation, physicochemical variation, residue mobility, and thermodynamic stability) performed at Invitae indicates that this missense variant is not expected to disrupt LARP7 protein function with a negative predictive value of 80%. In summary, the available evidence is currently insufficient to determine the role of this variant in disease. Therefore, it has been classified as a Variant of Uncertain Significance.

Ambry Genetics
Classification: Uncertain significance for Inborn genetic diseases. Last evaluated: 2023-02-01. Review status: criteria provided, single submitter. Criteria: Ambry Variant Classification Scheme 2023. Collection method: clinical testing. Allele origin: germline.